The following is an entry in ClinVar:

ClinVar aggregate classification (germline): Uncertain significance. Review status: criteria provided, multiple submitters, no conflicts (2 of 4 stars). 2 submissions from 2 submitters: Uncertain significance (2). Last evaluated 2025-11-17.

Conditions:
Cardiomyopathy (CMYO). Also called: Cardiomyopathies. Identifiers: Orphanet 167848, MedGen C0878544, MONDO:0004994, HP:0001638. Inheritance: Various modes of inheritance.
Arrhythmogenic right ventricular dysplasia 9 (ARVD9). Also called: Arrhythmogenic Right Ventricular Dysplasia/Cardiomyopathy 9; ARRHYTHMOGENIC RIGHT VENTRICULAR DYSPLASIA, FAMILIAL, 9. Identifiers: MedGen C1836906, MONDO:0012180, OMIM 609040.

Allele frequency attached by ClinVar (database versions not stated): gnomAD 0.00001.
gnomAD v4.1: 1 of 1,613,810 alleles (0.000062%); no homozygotes.

Submissions (2):

Color Diagnostics, LLC DBA Color Health
Classification: Uncertain significance for Cardiomyopathy. Last evaluated: 2025-11-17. Review status: criteria provided, single submitter. Criteria: ACMG Guidelines, 2015. Collection method: clinical testing. Allele origin: germline.
Comment: This missense variant replaces glycine with arginine at codon 438 of the PKP2 protein. Computational prediction suggests that this variant may have deleterious impact on protein structure and function. To our knowledge, functional studies have not been reported for this variant. This variant has not been reported in individuals affected with PKP2-related disorders in the literature. This variant has been identified in 1/1613810 chromosomes in the general population by the Genome Aggregation Database (gnomAD). The available evidence is insufficient to determine the role of this variant in disease conclusively. Therefore, this variant is classified as a Variant of Uncertain Significance.

Labcorp Genetics (formerly Invitae), Labcorp
Classification: Uncertain significance for Arrhythmogenic right ventricular dysplasia 9. Last evaluated: 2022-12-05. Review status: criteria provided, single submitter. Criteria: Invitae Variant Classification Sherloc (09022015). Collection method: clinical testing. Allele origin: germline.
Comment: ClinVar contains an entry for this variant (Variation ID: 957144). In summary, the available evidence is currently insufficient to determine the role of this variant in disease. Therefore, it has been classified as a Variant of Uncertain Significance. Algorithms developed to predict the effect of missense changes on protein structure and function (SIFT, PolyPhen-2, Align-GVGD) all suggest that this variant is likely to be disruptive. This variant has not been reported in the literature in individuals affected with PKP2-related conditions. This variant is not present in population databases (gnomAD no frequency). This sequence change replaces glycine, which is neutral and non-polar, with arginine, which is basic and polar, at codon 438 of the PKP2 protein (p.Gly438Arg).

NM_001005242.3(PKP2):c.1312G>A (p.Gly438Arg)

Gene: PKP2 (plakophilin 2; minus strand). Cytogenetic location: 12p11.21.
Variant type: single nucleotide variant.
Coding change: c.1312G>A on transcript NM_001005242.3 (MANE Select); coding-DNA position 1312, G replaced by A.
Protein change: p.Gly438Arg; replaces glycine 438 with arginine.
Molecular consequence: missense variant.
Genome position (GRCh38, 1-based): chr12:32,850,832, C>T on the plus strand (G>A on the coding strand, the complement: PKP2 is on the minus strand). VCF-style: chr12-32850832-C-T. GRCh37 (hg19) VCF-style: chr12-33003766-C-T.
Other names: c.1312G>A, p.Gly438Arg (NM_004572.4); short protein forms G438R.
Identifiers: ClinVar variation 957144 (VCV000957144.8), dbSNP rs1956689163, ClinGen allele CA384369934.